The following is an entry in ClinVar:

NM_003982.4(SLC7A7):c.1388T>A (p.Val463Glu)

Gene: SLC7A7 (solute carrier family 7 member 7; minus strand). Cytogenetic location: 14q11.2.
Variant type: single nucleotide variant.
Coding change: c.1388T>A on transcript NM_003982.4 (MANE Select); coding-DNA position 1388, T replaced by A.
Protein change: p.Val463Glu; replaces valine 463 with glutamic acid.
Molecular consequence: missense variant.
Genome position (GRCh38, 1-based): chr14:22,773,974, A>T on the plus strand (T>A on the coding strand, the complement: SLC7A7 is on the minus strand). VCF-style: chr14-22773974-A-T. GRCh37 (hg19) VCF-style: chr14-23243183-A-T.
Other names: c.1388T>A, p.Val463Glu (NM_001126105.3, NM_001126106.4); short protein forms V463E.
Identifiers: ClinVar variation 2147283 (VCV002147283.1), dbSNP rs755396584, ClinGen allele CA257723716.

ClinVar aggregate classification (germline): Uncertain significance (1 of 4 stars; one submission).

Conditions:
Lysinuric protein intolerance (LPI). Identifiers: Orphanet 470, MedGen C0268647, MONDO:0009109, OMIM 222700.

Allele frequency attached by ClinVar (database versions not stated): TOPMed below 0.00001; gnomAD exomes 0.00001.
gnomAD v4.1: 16 of 1,614,058 alleles (0.00099%); highest among the groups gnomAD compares: Middle Eastern, 0.017%; no homozygotes.

Submission:

Labcorp Genetics (formerly Invitae), Labcorp
Classification: Uncertain significance for Lysinuric protein intolerance. Last evaluated: 2022-03-18. Review status: criteria provided, single submitter. Criteria: Invitae Variant Classification Sherloc (09022015). Collection method: clinical testing. Allele origin: germline.
Comment: This sequence change replaces valine, which is neutral and non-polar, with glutamic acid, which is acidic and polar, at codon 463 of the SLC7A7 protein (p.Val463Glu). This variant is present in population databases (rs755396584, gnomAD 0.03%). This variant has not been reported in the literature in individuals affected with SLC7A7-related conditions. Algorithms developed to predict the effect of missense changes on protein structure and function (SIFT, PolyPhen-2, Align-GVGD) all suggest that this variant is likely to be tolerated. In summary, the available evidence is currently insufficient to determine the role of this variant in disease. Therefore, it has been classified as a Variant of Uncertain Significance.